The following is an entry in ClinVar:

NM_144999.4(LRRC45):c.1125+3A>C

Gene: LRRC45 (leucine rich repeat containing 45; plus strand). Cytogenetic location: 17q25.3.
Variant type: single nucleotide variant.
Coding change: c.1125+3A>C on transcript NM_144999.4 (MANE Select); 3 bases into the intron after coding-DNA position 1125, A replaced by C.
Molecular consequence: intron variant.
Genome position (GRCh38, 1-based): chr17:82,028,314, A>C. VCF-style: chr17-82028314-A-C. GRCh37 (hg19) VCF-style: chr17-79986190-A-C.
Identifiers: ClinVar variation 3351500 (VCV003351500.1).

ClinVar aggregate classification (germline): Likely benign (0 of 4 stars; one submission).

Conditions:
LRRC45-related disorder. Also called: LRRC45-related condition.

gnomAD v4.1: 59 of 1,597,846 alleles (0.0037%); highest among the groups gnomAD compares: Non-Finnish European, 0.005%; 1 homozygote.

Submission:

PreventionGenetics, part of Exact Sciences
Classification: Likely benign for LRRC45-related condition. Last evaluated: 2024-07-29. Review status: no assertion criteria provided. Collection method: clinical testing. Allele origin: germline.
Comment: This variant is classified as likely benign based on ACMG/AMP sequence variant interpretation guidelines (Richards et al. 2015 PMID: 25741868, with internal and published modifications).